The following is an entry in ClinVar:

NM_000195.5(HPS1):c.1863C>A (p.Tyr621Ter)

Gene: HPS1 (HPS1 biogenesis of lysosomal organelles complex 3 subunit 1; minus strand). Cytogenetic location: 10q24.2.
Variant type: single nucleotide variant.
Coding change: c.1863C>A on transcript NM_000195.5 (MANE Select); coding-DNA position 1863, C replaced by A.
Protein change: p.Tyr621Ter; replaces tyrosine 621 with a stop codon.
Molecular consequence: nonsense.
Genome position (GRCh38, 1-based): chr10:98,418,252, G>T on the plus strand (C>A on the coding strand, the complement: HPS1 is on the minus strand). VCF-style: chr10-98418252-G-T. GRCh37 (hg19) VCF-style: chr10-100178009-G-T.
Other names: c.891C>A, p.Tyr297Ter (NM_001311345.2, NM_001322487.2, NM_001322489.2); c.1863C>A, p.Tyr621Ter (NM_001322476.2, NM_001322477.2); c.1764C>A, p.Tyr588Ter (NM_001322478.2, NM_001322479.2); c.1602C>A, p.Tyr534Ter (NM_001322480.2, NM_001322481.2); c.1503C>A, p.Tyr501Ter (NM_001322482.2); c.1494C>A, p.Tyr498Ter (NM_001322483.2, NM_001322484.2); c.1395C>A, p.Tyr465Ter (NM_001322485.2); short protein forms Y465*, Y498*, Y501*, Y588*, Y621*, Y297*, Y534*.
Identifiers: ClinVar variation 2692652 (VCV002692652.3), dbSNP rs2538734375, ClinGen allele CA378043127.

ClinVar aggregate classification (germline): Pathogenic (1 of 4 stars; one submission).

Submission:

Labcorp Genetics (formerly Invitae), Labcorp
Classification: Pathogenic. Last evaluated: 2023-11-02. Review status: criteria provided, single submitter. Criteria: Invitae Variant Classification Sherloc (09022015). Collection method: clinical testing. Allele origin: germline.
Comment: This sequence change creates a premature translational stop signal (p.Tyr621*) in the HPS1 gene. It is expected to result in an absent or disrupted protein product. Loss-of-function variants in HPS1 are known to be pathogenic (PMID: 12442288, 16185271). This variant is not present in population databases (gnomAD no frequency). This variant has not been reported in the literature in individuals affected with HPS1-related conditions. For these reasons, this variant has been classified as Pathogenic.

Literature cited by the submitters: PubMed 12442288; PubMed 16185271.